The following is an entry in ClinVar:

NM_007272.3(CTRC):c.783G>T (p.Trp261Cys)

Gene: CTRC (chymotrypsin C; plus strand). Cytogenetic location: 1p36.21.
Variant type: single nucleotide variant.
Coding change: c.783G>T on transcript NM_007272.3 (MANE Select); coding-DNA position 783, G replaced by T.
Protein change: p.Trp261Cys; replaces tryptophan 261 with cysteine.
Molecular consequence: missense variant.
Genome position (GRCh38, 1-based): chr1:15,445,740, G>T. VCF-style: chr1-15445740-G-T. GRCh37 (hg19) VCF-style: chr1-15772235-G-T.
Other names: short protein forms W261C.
Identifiers: ClinVar variation 1760856 (VCV001760856.2), dbSNP rs759821387, ClinGen allele CA613471.

ClinVar aggregate classification (germline): Uncertain significance (1 of 4 stars; one submission).

Conditions:
Hereditary pancreatitis (PCTT). Also called: Hereditary chronic pancreatitis; PRSS1-Related Hereditary Pancreatitis. Identifiers: Orphanet 676, MedGen C0238339, MONDO:0008185, OMIM 167800.

Allele frequency attached by ClinVar (database versions not stated): gnomAD exomes below 0.00001; ExAC 0.00001.
gnomAD v4.1: 2 of 1,614,096 alleles (0.00012%); highest among the groups gnomAD compares: Non-Finnish European, 0.00017%; no homozygotes.

Submission:

Ambry Genetics
Classification: Uncertain significance for Hereditary pancreatitis. Last evaluated: 2024-02-22. Review status: criteria provided, single submitter. Criteria: Ambry Variant Classification Scheme 2023. Collection method: clinical testing. Allele origin: germline.
Comment: The p.W261C variant (also known as c.783G>T), located in coding exon 7 of the CTRC gene, results from a G to T substitution at nucleotide position 783. The tryptophan at codon 261 is replaced by cysteine, an amino acid with highly dissimilar properties. This amino acid position is conserved. In addition, this alteration is predicted to be deleterious by in silico analysis. Since supporting evidence is limited at this time, the clinical significance of this alteration remains unclear.